The following is an entry in ClinVar:

NM_001430.5(EPAS1):c.1435T>A (p.Cys479Ser)

Gene: EPAS1 (endothelial PAS domain protein 1; plus strand). Cytogenetic location: 2p21.
Variant type: single nucleotide variant.
Coding change: c.1435T>A on transcript NM_001430.5 (MANE Select); coding-DNA position 1435, T replaced by A.
Protein change: p.Cys479Ser; replaces cysteine 479 with serine.
Molecular consequence: missense variant.
Genome position (GRCh38, 1-based): chr2:46,378,079, T>A. VCF-style: chr2-46378079-T-A. GRCh37 (hg19) VCF-style: chr2-46605218-T-A.
Other names: short protein forms C479S.
Identifiers: ClinVar variation 2456517 (VCV002456517.2), dbSNP rs1373712541, ClinGen allele CA346704079.

ClinVar aggregate classification (germline): Uncertain significance (1 of 4 stars; one submission).

Conditions:
Inborn genetic diseases. Identifiers: MedGen C0950123, MeSH D030342.

Allele frequency attached by ClinVar (database versions not stated): TOPMed below 0.00001; gnomAD exomes 0.00001.
gnomAD v4.1: 14 of 1,600,914 alleles (0.00087%); highest among the groups gnomAD compares: Non-Finnish European, 0.0012%; no homozygotes.

Submission:

Ambry Genetics
Classification: Uncertain significance for Inborn genetic diseases. Last evaluated: 2023-02-16. Review status: criteria provided, single submitter. Criteria: Ambry Variant Classification Scheme 2023. Collection method: clinical testing. Allele origin: germline.
Comment: The p.C479S variant (also known as c.1435T>A), located in coding exon 10 of the EPAS1 gene, results from a T to A substitution at nucleotide position 1435. The cysteine at codon 479 is replaced by serine, an amino acid with dissimilar properties. This amino acid position is conserved. In addition, the in silico prediction for this alteration is inconclusive. Since supporting evidence is limited at this time, the clinical significance of this alteration remains unclear.